The following is an entry in ClinVar:

NM_001371986.1(UNC80):c.2597T>C (p.Leu866Pro)

Gene: UNC80 (unc-80 subunit of NALCN channel complex; plus strand). Cytogenetic location: 2q34.
Variant type: single nucleotide variant.
Coding change: c.2597T>C on transcript NM_001371986.1 (MANE Select); coding-DNA position 2597, T replaced by C.
Protein change: p.Leu866Pro; replaces leucine 866 with proline.
Molecular consequence: missense variant.
Genome position (GRCh38, 1-based): chr2:209,829,350, T>C. VCF-style: chr2-209829350-T-C. GRCh37 (hg19) VCF-style: chr2-210694074-T-C.
Other names: c.2597T>C, p.Leu866Pro (NM_032504.2); c.2582T>C, p.Leu861Pro (NM_182587.4); short protein forms L861P, L866P.
Identifiers: ClinVar variation 1431043 (VCV001431043.8), dbSNP rs2153828435, ClinGen allele CA350137772.

ClinVar aggregate classification (germline): Uncertain significance (1 of 4 stars; one submission).

Submission:

Labcorp Genetics (formerly Invitae), Labcorp
Classification: Uncertain significance. Last evaluated: 2024-02-23. Review status: criteria provided, single submitter. Criteria: Invitae Variant Classification Sherloc (09022015). Collection method: clinical testing. Allele origin: germline.
Comment: This sequence change replaces leucine, which is neutral and non-polar, with proline, which is neutral and non-polar, at codon 866 of the UNC80 protein (p.Leu866Pro). This variant is not present in population databases (gnomAD no frequency). This variant has not been reported in the literature in individuals affected with UNC80-related conditions. ClinVar contains an entry for this variant (Variation ID: 1431043). An algorithm developed to predict the effect of missense changes on protein structure and function (PolyPhen-2) suggests that this variant is likely to be disruptive. In summary, the available evidence is currently insufficient to determine the role of this variant in disease. Therefore, it has been classified as a Variant of Uncertain Significance.